The following is an entry in ClinVar:

NM_006118.4(HAX1):c.605C>T (p.Pro202Leu)

Gene: HAX1 (HCLS1 associated protein X-1; plus strand). Cytogenetic location: 1q21.3.
Variant type: single nucleotide variant.
Coding change: c.605C>T on transcript NM_006118.4 (MANE Select); coding-DNA position 605, C replaced by T.
Protein change: p.Pro202Leu; replaces proline 202 with leucine.
Molecular consequence: missense variant.
Genome position (GRCh38, 1-based): chr1:154,275,202, C>T. VCF-style: chr1-154275202-C-T. GRCh37 (hg19) VCF-style: chr1-154247678-C-T.
Other names: p.Pro202Leu; c.461C>T, p.Pro154Leu (NM_001018837.2); short protein forms P202L, P154L.
Identifiers: ClinVar variation 2126097 (VCV002126097.5), dbSNP rs1041678008, ClinGen allele CA30771131.

ClinVar aggregate classification (germline): Uncertain significance. Review status: criteria provided, multiple submitters, no conflicts (2 of 4 stars). 2 submissions from 2 submitters: Uncertain significance (2). Last evaluated 2025-10-31.

Conditions:
Kostmann syndrome (SCN3). Also called: Autosomal recessive severe congenital neutropenia type 3; KOSTMANN DISEASE. Identifiers: Orphanet 99749, MedGen C5235141, MONDO:0012548, OMIM 610738.

Allele frequency attached by ClinVar (database versions not stated): gnomAD 0.00001; TOPMed 0.00001.
gnomAD v4.1: 2 of 1,613,574 alleles (0.00012%); highest among the groups gnomAD compares: Admixed American, 0.0017%; no homozygotes.

Submissions (2):

Mayo Clinic Laboratories, Mayo Clinic
Classification: Uncertain significance. Last evaluated: 2025-10-31. Review status: criteria provided, single submitter. Criteria: ACMG Guidelines, 2015. Collection method: clinical testing. Allele origin: germline. Observed: 1 variant allele.
Comment: PM2_supporting

Labcorp Genetics (formerly Invitae), Labcorp
Classification: Uncertain significance for Kostmann syndrome. Last evaluated: 2022-04-13. Review status: criteria provided, single submitter. Criteria: Invitae Variant Classification Sherloc (09022015). Collection method: clinical testing. Allele origin: germline.
Comment: This sequence change replaces proline, which is neutral and non-polar, with leucine, which is neutral and non-polar, at codon 202 of the HAX1 protein (p.Pro202Leu). In summary, the available evidence is currently insufficient to determine the role of this variant in disease. Therefore, it has been classified as a Variant of Uncertain Significance. Algorithms developed to predict the effect of missense changes on protein structure and function are either unavailable or do not agree on the potential impact of this missense change (SIFT: "Deleterious"; PolyPhen-2: "Possibly Damaging"; Align-GVGD: "Class C0"). This variant has not been reported in the literature in individuals affected with HAX1-related conditions. This variant is not present in population databases (gnomAD no frequency).